The following is an entry in ClinVar:

ClinVar aggregate classification (germline): Uncertain significance (1 of 4 stars; one submission).

Conditions:
Idiopathic generalized epilepsy. Also called: Generalised epilepsy; EIG. Identifiers: MedGen C0270850, MONDO:0005579, OMIM 600669.
Hyperaldosteronism, familial, type IV (HALD4). Also called: FH IV; ALDOSTERONISM, PRIMARY, AND HYPERTENSION. Identifiers: Orphanet 642671, MedGen C4310756, MONDO:0014875, OMIM 617027.

Allele frequency attached by ClinVar (database versions not stated): ExAC 0.00001; gnomAD exomes 0.00001.
gnomAD v4.1: 7 of 1,612,670 alleles (0.00043%); highest among the groups gnomAD compares: Non-Finnish European, 0.00059%; no homozygotes.

Submission:

Labcorp Genetics (formerly Invitae), Labcorp
Classification: Uncertain significance for Idiopathic generalized epilepsy; Hyperaldosteronism, familial, type IV. Last evaluated: 2022-07-30. Review status: criteria provided, single submitter. Criteria: Invitae Variant Classification Sherloc (09022015). Collection method: clinical testing. Allele origin: germline.
Comment: In summary, the available evidence is currently insufficient to determine the role of this variant in disease. Therefore, it has been classified as a Variant of Uncertain Significance. Algorithms developed to predict the effect of missense changes on protein structure and function (SIFT, PolyPhen-2, Align-GVGD) all suggest that this variant is likely to be disruptive. This variant has not been reported in the literature in individuals affected with CACNA1H-related conditions. This variant is present in population databases (rs768542940, gnomAD 0.0009%). This sequence change replaces alanine, which is neutral and non-polar, with threonine, which is neutral and polar, at codon 1516 of the CACNA1H protein (p.Ala1516Thr).

NM_021098.3(CACNA1H):c.4546G>A (p.Ala1516Thr)

Gene: CACNA1H (calcium voltage-gated channel subunit alpha1 H; plus strand). Cytogenetic location: 16p13.3.
Variant type: single nucleotide variant.
Coding change: c.4546G>A on transcript NM_021098.3 (MANE Select); coding-DNA position 4546, G replaced by A.
Protein change: p.Ala1516Thr; replaces alanine 1516 with threonine.
Molecular consequence: missense variant.
Genome position (GRCh38, 1-based): chr16:1,211,785, G>A. VCF-style: chr16-1211785-G-A. GRCh37 (hg19) VCF-style: chr16-1261785-G-A.
Other names: c.4546G>A, p.Ala1516Thr (NM_001005407.2); short protein forms A1516T.
Identifiers: ClinVar variation 2193938 (VCV002193938.4), dbSNP rs768542940, ClinGen allele CA7801403.
Genomic context (GRCh38, chr16:1,211,785, plus strand): 5'-TCGCTGTTCGTGCTGTCATCCAAGGATGGATGGGTGAACATCATGTACGACGGGCTGGAT[G>A]CCGTGGGTGTCGACCAGCAGGTGCGCACAGGCGGGTCGAGCTGGGTCACCTCAGGGTCTC-3'
Protein context (NP_066921.2, residues 1506-1526): WVNIMYDGLD[Ala1516Thr]VGVDQQPVQN